The following is an entry in ClinVar:

NM_173598.6(KSR2):c.1284T>C (p.Cys428=)

Gene: KSR2 (kinase suppressor of ras 2; minus strand). Cytogenetic location: 12q24.22.
Variant type: single nucleotide variant.
Coding change: c.1284T>C on transcript NM_173598.6 (MANE Select); coding-DNA position 1284, T replaced by C.
Protein change: p.Cys428=; no amino-acid change (cysteine 428 retained).
Molecular consequence: synonymous variant.
Genome position (GRCh38, 1-based): chr12:117,579,160, A>G on the plus strand (T>C on the coding strand, the complement: KSR2 is on the minus strand). VCF-style: chr12-117579160-A-G. GRCh37 (hg19) VCF-style: chr12-118016965-A-G.
Identifiers: ClinVar variation 3353404 (VCV003353404.1).

ClinVar aggregate classification (germline): Likely benign (0 of 4 stars; one submission).

Conditions:
KSR2-related disorder. Also called: KSR2-related condition.

Submission:

PreventionGenetics, part of Exact Sciences
Classification: Likely benign for KSR2-related condition. Last evaluated: 2022-09-01. Review status: no assertion criteria provided. Collection method: clinical testing. Allele origin: germline.
Comment: This variant is classified as likely benign based on ACMG/AMP sequence variant interpretation guidelines (Richards et al. 2015 PMID: 25741868, with internal and published modifications).